The following is an entry in ClinVar:

NM_006231.4(POLE):c.1066C>T (p.Pro356Ser)

Gene: POLE (DNA polymerase epsilon, catalytic subunit; minus strand). Cytogenetic location: 12q24.33.
Variant type: single nucleotide variant.
Coding change: c.1066C>T on transcript NM_006231.4 (MANE Select); coding-DNA position 1066, C replaced by T.
Protein change: p.Pro356Ser; replaces proline 356 with serine.
Molecular consequence: missense variant.
Genome position (GRCh38, 1-based): chr12:132,675,775, G>A on the plus strand (C>T on the coding strand, the complement: POLE is on the minus strand). VCF-style: chr12-132675775-G-A. GRCh37 (hg19) VCF-style: chr12-133252361-G-A.
Other names: short protein forms P356S.
Identifiers: ClinVar variation 484542 (VCV000484542.21), dbSNP rs1555229220, ClinGen allele CA387361511.
Genomic context (GRCh38, chr12:132,675,775, plus strand): 5'-TAGAGAAGACACAGACTCACCAGTCAAAAAAGTCCCCGTTGTAGGTGACCATGATGGTGG[G>A]TTTGGTCTCCTGGACGTGTTCAAACCACCTTTGGATCAGATGAGCCTGAACCCAAGTCAC-3'
Protein context (NP_006222.2, residues 346-366): RWFEHVQETK[Pro356Ser]TIMVTYNGDF

ClinVar aggregate classification (germline): Uncertain significance. Review status: criteria provided, multiple submitters, no conflicts (2 of 4 stars). 3 submissions from 3 submitters: Uncertain significance (3). Last evaluated 2026-01-09.

Conditions:
Hereditary cancer-predisposing syndrome. Also called: Tumor predisposition; Hereditary Cancer Syndrome; Neoplastic Syndromes, Hereditary; Hereditary neoplastic syndrome. Identifiers: Orphanet 140162, MedGen C0027672, MeSH D009386, MONDO:0015356.

Submissions (3):

Ambry Genetics
Classification: Uncertain significance for Hereditary cancer-predisposing syndrome. Last evaluated: 2026-01-09. Review status: criteria provided, single submitter. Criteria: Ambry Variant Classification Scheme 2023. Collection method: clinical testing. Allele origin: germline.
Comment: The p.P356S variant (also known as c.1066C>T), located in coding exon 11 of the POLE gene, results from a C to T substitution at nucleotide position 1066. The proline at codon 356 is replaced by serine, an amino acid with similar properties. This amino acid position is highly conserved in available vertebrate species. In addition, this alteration is predicted to be deleterious by in silico analysis. Based on the available evidence, the clinical significance of this variant remains unclear.

Labcorp Genetics (formerly Invitae), Labcorp
Classification: Uncertain significance. Last evaluated: 2025-05-01. Review status: criteria provided, single submitter. Criteria: Invitae Variant Classification Sherloc (09022015). Collection method: clinical testing. Allele origin: germline.
Comment: This sequence change replaces proline, which is neutral and non-polar, with serine, which is neutral and polar, at codon 356 of the POLE protein (p.Pro356Ser). This variant is not present in population databases (gnomAD no frequency). This variant has not been reported in the literature in individuals affected with POLE-related conditions. ClinVar contains an entry for this variant (Variation ID: 484542). Invitae Evidence Modeling of protein sequence and biophysical properties (such as structural, functional, and spatial information, amino acid conservation, physicochemical variation, residue mobility, and thermodynamic stability) indicates that this missense variant is expected to disrupt POLE protein function with a positive predictive value of 80%. In summary, the available evidence is currently insufficient to determine the role of this variant in disease. Therefore, it has been classified as a Variant of Uncertain Significance.

Laboratory for Molecular Medicine, Mass General Brigham Personalized Medicine
Classification: Uncertain significance. Last evaluated: 2017-04-19. Review status: criteria provided, single submitter. Criteria: LMM Criteria. Collection method: clinical testing. Allele origin: germline. Observed: 1 variant allele.
Comment: Computational prediction tools and conservation analysis suggest that the p.Pro356Ser variant may impact the protein, though this inform ation is not predictive enough to determine pathogenicity. In summary, the clini cal significance of the p.Pro356Ser variant is uncertain.

Literature cited by the submitters: PubMed 25124163 (cited by Laboratory for Molecular Medicine, Mass General Brigham Personalized Medicine).